The following is an entry in ClinVar:

ClinVar aggregate classification (germline): Uncertain significance (1 of 4 stars; one submission).

Conditions:
Cardiovascular phenotype. Identifiers: MedGen CN230736.

gnomAD v4.1: 1 of 1,614,148 alleles (0.000062%); no homozygotes.

Submission:

Ambry Genetics
Classification: Uncertain significance for Cardiovascular phenotype. Last evaluated: 2021-10-13. Review status: criteria provided, single submitter. Criteria: Ambry Variant Classification Scheme 2023. Collection method: clinical testing. Allele origin: germline.
Comment: The p.A1245V variant (also known as c.3734C>T), located in coding exon 25 of the MYH6 gene, results from a C to T substitution at nucleotide position 3734. The alanine at codon 1245 is replaced by valine, an amino acid with similar properties. This amino acid position is conserved. In addition, this alteration is predicted to be tolerated by in silico analysis. Since supporting evidence is limited at this time, the clinical significance of this alteration remains unclear.

NM_002471.4(MYH6):c.3734C>T (p.Ala1245Val)

Gene: MYH6 (myosin heavy chain 6; minus strand). Cytogenetic location: 14q11.2.
Variant type: single nucleotide variant.
Coding change: c.3734C>T on transcript NM_002471.4 (MANE Select); coding-DNA position 3734, C replaced by T.
Protein change: p.Ala1245Val; replaces alanine 1245 with valine.
Molecular consequence: missense variant.
Genome position (GRCh38, 1-based): chr14:23,389,718, G>A on the plus strand (C>T on the coding strand, the complement: MYH6 is on the minus strand). VCF-style: chr14-23389718-G-A. GRCh37 (hg19) VCF-style: chr14-23858927-G-A.
Other names: short protein forms A1245V.
Identifiers: ClinVar variation 1734411 (VCV001734411.2), dbSNP rs2502157465, ClinGen allele CA389003959.